The following is an entry in ClinVar:

ClinVar aggregate classification (germline): Uncertain significance (1 of 4 stars; one submission).

Conditions:
Cardiovascular phenotype. Identifiers: MedGen CN230736.

Allele frequency attached by ClinVar (database versions not stated): ESP Exome Variant Server 0.00008.
gnomAD v4.1: 11 of 1,355,520 alleles (0.00081%); highest among the groups gnomAD compares: African/African-American, 0.011%; no homozygotes.

Submission:

Ambry Genetics
Classification: Uncertain significance for Cardiovascular phenotype. Last evaluated: 2023-12-19. Review status: criteria provided, single submitter. Criteria: Ambry Variant Classification Scheme 2023. Collection method: clinical testing. Allele origin: germline.
Comment: The c.286+3A>G intronic variant results from an A to G substitution 3 nucleotides after coding exon 2 in the TECRL gene. This nucleotide position is well conserved in available vertebrate species. In silico splice site analysis predicts that this alteration will not have any significant effect on splicing. Since supporting evidence is limited at this time, the clinical significance of this alteration remains unclear.

NM_001010874.5(TECRL):c.286+3A>G

Gene: TECRL (trans-2,3-enoyl-CoA reductase like; minus strand). Cytogenetic location: 4q13.1.
Variant type: single nucleotide variant.
Coding change: c.286+3A>G on transcript NM_001010874.5 (MANE Select); 3 bases into the intron after coding-DNA position 286, A replaced by G.
Molecular consequence: intron variant.
Genome position (GRCh38, 1-based): chr4:64,375,169, T>C on the plus strand (A>G on the coding strand, the complement: TECRL is on the minus strand). VCF-style: chr4-64375169-T-C. GRCh37 (hg19) VCF-style: chr4-65240887-T-C.
Other names: c.286+3A>G (NM_001363796.1).
Identifiers: ClinVar variation 1796953 (VCV001796953.2), dbSNP rs377115761, ClinGen allele CA98663475.